The following is an entry in ClinVar:

NM_018706.7(DHTKD1):c.1847C>T (p.Thr616Ile)

Gene: DHTKD1 (dehydrogenase E1 and transketolase domain containing 1; plus strand). Cytogenetic location: 10p14.
Variant type: single nucleotide variant.
Coding change: c.1847C>T on transcript NM_018706.7 (MANE Select); coding-DNA position 1847, C replaced by T.
Protein change: p.Thr616Ile; replaces threonine 616 with isoleucine.
Molecular consequence: missense variant.
Genome position (GRCh38, 1-based): chr10:12,101,132, C>T. VCF-style: chr10-12101132-C-T. GRCh37 (hg19) VCF-style: chr10-12143131-C-T.
Other names: short protein forms T616I.
Identifiers: ClinVar variation 2856581 (VCV002856581.3), dbSNP rs1833163094, ClinGen allele CA376022706.

ClinVar aggregate classification (germline): Uncertain significance (1 of 4 stars; one submission).

Conditions:
2-aminoadipic 2-oxoadipic aciduria (AAKAD). Also called: Aminoadipic aciduria; ALPHA-AMINOADIPIC AND ALPHA-KETOADIPIC ACIDURIA. Identifiers: Orphanet 79154, MedGen C1859817, MONDO:0008774, OMIM 204750.

Submission:

Labcorp Genetics (formerly Invitae), Labcorp
Classification: Uncertain significance for 2-aminoadipic 2-oxoadipic aciduria. Last evaluated: 2023-04-15. Review status: criteria provided, single submitter. Criteria: Invitae Variant Classification Sherloc (09022015). Collection method: clinical testing. Allele origin: germline.
Comment: In summary, the available evidence is currently insufficient to determine the role of this variant in disease. Therefore, it has been classified as a Variant of Uncertain Significance. Advanced modeling of protein sequence and biophysical properties (such as structural, functional, and spatial information, amino acid conservation, physicochemical variation, residue mobility, and thermodynamic stability) performed at Invitae indicates that this missense variant is not expected to disrupt DHTKD1 protein function. This variant has not been reported in the literature in individuals affected with DHTKD1-related conditions. This variant is not present in population databases (gnomAD no frequency). This sequence change replaces threonine, which is neutral and polar, with isoleucine, which is neutral and non-polar, at codon 616 of the DHTKD1 protein (p.Thr616Ile).